The following is an entry in ClinVar:

NM_001377.3(DYNC2H1):c.2146C>T (p.Gln716Ter)

Gene: DYNC2H1 (dynein cytoplasmic 2 heavy chain 1; plus strand). Cytogenetic location: 11q22.3.
Variant type: single nucleotide variant.
Coding change: c.2146C>T on transcript NM_001377.3 (MANE Select); coding-DNA position 2146, C replaced by T.
Protein change: p.Gln716Ter; replaces glutamine 716 with a stop codon.
Molecular consequence: nonsense.
Genome position (GRCh38, 1-based): chr11:103,134,360, C>T. VCF-style: chr11-103134360-C-T. GRCh37 (hg19) VCF-style: chr11-103005089-C-T.
Other names: c.2146C>T, p.Gln716Ter (NM_001080463.2); short protein forms Q716*.
Identifiers: ClinVar variation 4735736 (VCV004735736.2).

ClinVar aggregate classification (germline): Pathogenic. Review status: criteria provided, multiple submitters, no conflicts (2 of 4 stars). 2 submissions from 2 submitters: Pathogenic (2). Last evaluated 2026-01-19.

Conditions:
Asphyxiating thoracic dystrophy 3. Also called: SHORT-RIB THORACIC DYSPLASIA 3 WITH OR WITHOUT POLYDACTYLY; POLYDACTYLY WITH NEONATAL CHONDRODYSTROPHY, TYPE I; Short rib polydactyly syndrome 2B; Saldino-Noonan Syndrome; SHORT-RIB THORACIC DYSPLASIA 3/6 WITH POLYDACTYLY, DIGENIC. Identifiers: Orphanet 474, Orphanet 93269, Orphanet 93270, Orphanet 93271, MedGen C0036069, MONDO:0013127, OMIM 613091.
Jeune thoracic dystrophy. Also called: Jeune syndrome; Infantile thoracic dystrophy; Thoracic pelvic phalangeal dystrophy; Jeune's syndrome; Chondroectodermal dysplasia-like syndrome; Short-rib thoracic dysplasia. Identifiers: Orphanet 474, MedGen C0265275, MONDO:0018770.

Submissions (2):

Labcorp Genetics (formerly Invitae), Labcorp
Classification: Pathogenic for Jeune thoracic dystrophy. Last evaluated: 2026-01-19. Review status: criteria provided, single submitter. Criteria: Invitae Variant Classification Sherloc (09022015). Collection method: clinical testing. Allele origin: germline.
Comment: This sequence change creates a premature translational stop signal (p.Gln716*) in the DYNC2H1 gene. It is expected to result in an absent or disrupted protein product. Loss-of-function variants in DYNC2H1 are known to be pathogenic (PMID: 23339108, 32753734, 33755199). This variant is not present in population databases (gnomAD no frequency). This variant has not been reported in the literature in individuals affected with DYNC2H1-related conditions. For these reasons, this variant has been classified as Pathogenic.

Myriad Genetics, Inc.
Classification: Pathogenic for Asphyxiating thoracic dystrophy 3. Last evaluated: 2025-10-23. Review status: criteria provided, single submitter. Criteria: Myriad Autosomal Dominant, Autosomal Recessive and X-Linked Classification Criteria (2023). Collection method: clinical testing. Allele origin: unknown.
Comment: NM_001377.2(DYNC2H1):c.2146C>T(Q716*) is expected to be pathogenic in the context of DYNC2H1-related disorders. This variant is predicted to lead to an abnormal or absent protein product due to the creation of a premature termination codon in DYNC2H1, a gene where loss-of-function variants are known to be pathogenic. Please note: this variant was assessed in the context of healthy population screening.

Literature cited by the submitters: PubMed 23339108 (cited by Labcorp Genetics (formerly Invitae), Labcorp); PubMed 32753734 (cited by Labcorp Genetics (formerly Invitae), Labcorp); PubMed 33755199 (cited by Labcorp Genetics (formerly Invitae), Labcorp).